The following is an entry in ClinVar:

ClinVar aggregate classification (germline): Uncertain significance (1 of 4 stars; one submission).

Submission:

CeGaT Center for Human Genetics Tuebingen
Classification: Uncertain significance. Last evaluated: 2024-10-01. Review status: criteria provided, single submitter. Criteria: CeGaT Center For Human Genetics Tuebingen Variant Classification Criteria Version 2. Collection method: clinical testing. Allele origin: germline. Affected: yes. Observed: 1 variant allele.
Comment: CNOT1: PM2

NM_016284.5(CNOT1):c.917A>G (p.Asp306Gly)

Gene: CNOT1 (CCR4-NOT transcription complex subunit 1; minus strand). Cytogenetic location: 16q21.
Variant type: single nucleotide variant.
Coding change: c.917A>G on transcript NM_016284.5 (MANE Select); coding-DNA position 917, A replaced by G.
Protein change: p.Asp306Gly; replaces aspartic acid 306 with glycine.
Molecular consequence: missense variant. On other transcripts: non-coding transcript variant (1).
Genome position (GRCh38, 1-based): chr16:58,583,072, T>C on the plus strand (A>G on the coding strand, the complement: CNOT1 is on the minus strand). VCF-style: chr16-58583072-T-C. GRCh37 (hg19) VCF-style: chr16-58616976-T-C.
Other names: c.917A>G, p.Asp306Gly (NM_001265612.2, NM_206999.3); short protein forms D306G.
Identifiers: ClinVar variation 3389900 (VCV003389900.14).